The following is an entry in ClinVar:

ClinVar aggregate classification (germline): Pathogenic (1 of 4 stars; one submission).

Conditions:
Hereditary cancer-predisposing syndrome. Also called: Hereditary neoplastic syndrome; Tumor predisposition; Hereditary Cancer Syndrome; Neoplastic Syndromes, Hereditary. Identifiers: Orphanet 140162, MedGen C0027672, MeSH D009386, MONDO:0015356.

Submission:

Color Diagnostics, LLC DBA Color Health
Classification: Pathogenic for Hereditary cancer-predisposing syndrome. Last evaluated: 2020-01-15. Review status: criteria provided, single submitter. Criteria: ACMG Guidelines, 2015. Collection method: clinical testing. Allele origin: germline.
Comment: This variant deletes 2 nucleotides in exon 11 of the BRCA2 gene, creating a frameshift and premature translation stop signal. This variant is expected to result in an absent or non-functional protein product. This variant has not been identified in the general population by the Genome Aggregation Database (gnomAD). Loss of BRCA2 function is a known mechanism of disease. Based on the available evidence, this variant is classified as Pathogenic.

NM_000059.4(BRCA2):c.3940_3941del (p.Lys1314fs)

Gene: BRCA2 (BRCA2 DNA repair associated; plus strand). Cytogenetic location: 13q13.1.
Variant type: Deletion.
Coding change: c.3940_3941del on transcript NM_000059.4 (MANE Select); coding-DNA positions 3940 to 3941, 2 bases deleted (AA; older notation c.3940_3941delAA).
Protein change: p.Lys1314fs; shifts the reading frame from lysine 1314.
Molecular consequence: frameshift variant.
Genome position (GRCh38, 1-based): chr13:32,338,295-32,338,296, AA deleted. VCF-style (leftmost placement, unchanged base first): chr13-32338294-CAA-C. GRCh37 (hg19) VCF-style: chr13-32912431-CAA-C.
Other names: c.3940_3941delAA (NM_000059.3); short protein forms K1314fs.
Identifiers: ClinVar variation 491264 (VCV000491264.4), dbSNP rs1555283479, ClinGen allele CA658683802.
Genomic context (GRCh38, chr13:32,338,294, plus strand): 5'-ATTACAAAATAATATTGAAATGACTACTGGCACTTTTGTTGAAGAAATTACTGAAAATTA[CAA>C]GAGAAATACTGAAAATGAAGATAACAAATATACTGCTGCCAGTAGAAATTCTCATAACTT-3'